The following is an entry in ClinVar:

NM_052989.3(IFT122):c.3053C>G (p.Ala1018Gly)

Gene: IFT122 (intraflagellar transport 122; plus strand). Cytogenetic location: 3q22.1.
Variant type: single nucleotide variant.
Coding change: c.3053C>G on transcript NM_052989.3 (MANE Select); coding-DNA position 3053, C replaced by G.
Protein change: p.Ala1018Gly; replaces alanine 1018 with glycine.
Molecular consequence: missense variant.
Genome position (GRCh38, 1-based): chr3:129,514,454, C>G. VCF-style: chr3-129514454-C-G. GRCh37 (hg19) VCF-style: chr3-129233297-C-G.
Other names: c.3032C>G, p.Ala1011Gly (NM_001280541.2); c.2603C>G, p.Ala868Gly (NM_001280545.2); c.2426C>G, p.Ala809Gly (NM_001280546.2); c.2876C>G, p.Ala959Gly (NM_018262.4); c.3206C>G, p.Ala1069Gly (NM_052985.4); c.2723C>G, p.Ala908Gly (NM_052990.3); short protein forms A1069G, A809G, A959G, A1011G, A1018G, A868G, A908G.
Identifiers: ClinVar variation 1358114 (VCV001358114.6), dbSNP rs767833675, ClinGen allele CA2606769.

ClinVar aggregate classification (germline): Uncertain significance. Review status: criteria provided, multiple submitters, no conflicts (2 of 4 stars). 2 submissions from 2 submitters: Uncertain significance (2). Last evaluated 2022-02-03.

Conditions:
Cranioectodermal dysplasia 1 (CED1). Also called: LEVIN SYNDROME I. Identifiers: Orphanet 1515, MedGen C0432235, MONDO:0021093, OMIM 218330.

Allele frequency attached by ClinVar (database versions not stated): gnomAD 0.00002; TOPMed 0.00005.
gnomAD v4.1: 43 of 1,614,100 alleles (0.0027%); highest among the groups gnomAD compares: Non-Finnish European, 0.00068%; no homozygotes.

Submissions (2):

Fulgent Genetics
Classification: Uncertain significance for Cranioectodermal dysplasia 1. Last evaluated: 2022-02-03. Review status: criteria provided, single submitter. Criteria: ACMG Guidelines, 2015. Collection method: clinical testing. Allele origin: unknown.

Labcorp Genetics (formerly Invitae), Labcorp
Classification: Uncertain significance for Cranioectodermal dysplasia 1. Last evaluated: 2021-08-26. Review status: criteria provided, single submitter. Criteria: Invitae Variant Classification Sherloc (09022015). Collection method: clinical testing. Allele origin: germline.
Comment: This sequence change replaces alanine with glycine at codon 1069 of the IFT122 protein (p.Ala1069Gly). The alanine residue is moderately conserved and there is a small physicochemical difference between alanine and glycine. This variant is present in population databases (rs767833675, ExAC 0.006%). This variant has not been reported in the literature in individuals affected with IFT122-related conditions. Algorithms developed to predict the effect of missense changes on protein structure and function are either unavailable or do not agree on the potential impact of this missense change (SIFT: "Deleterious"; PolyPhen-2: "Possibly Damaging"; Align-GVGD: "Class C0"). In summary, the available evidence is currently insufficient to determine the role of this variant in disease. Therefore, it has been classified as a Variant of Uncertain Significance.